The following is an entry in ClinVar:

ClinVar aggregate classification (germline): Uncertain significance (1 of 4 stars; one submission).

Conditions:
Immunodeficiency, common variable, 10. Also called: IMMUNODEFICIENCY, COMMON VARIABLE, WITH CENTRAL ADRENAL INSUFFICIENCY; DEFICIT IN ANTERIOR PITUITARY FUNCTION AND VARIABLE IMMUNODEFICIENCY. Identifiers: MedGen C3809991, MONDO:0014260, OMIM 615577.

Allele frequency attached by ClinVar (database versions not stated): gnomAD 0.00001; TOPMed 0.00001.
gnomAD v4.1: 4 of 1,604,392 alleles (0.00025%); highest among the groups gnomAD compares: East Asian, 0.0089%; no homozygotes.

Submission:

Labcorp Genetics (formerly Invitae), Labcorp
Classification: Uncertain significance for Immunodeficiency, common variable, 10. Last evaluated: 2023-10-23. Review status: criteria provided, single submitter. Criteria: Invitae Variant Classification Sherloc (09022015). Collection method: clinical testing. Allele origin: germline.
Comment: This sequence change replaces leucine, which is neutral and non-polar, with phenylalanine, which is neutral and non-polar, at codon 770 of the NFKB2 protein (p.Leu770Phe). This variant is present in population databases (rs759059168, gnomAD 0.03%). This variant has not been reported in the literature in individuals affected with NFKB2-related conditions. An algorithm developed to predict the effect of missense changes on protein structure and function (PolyPhen-2) suggests that this variant is likely to be disruptive. In summary, the available evidence is currently insufficient to determine the role of this variant in disease. Therefore, it has been classified as a Variant of Uncertain Significance.

NM_001322934.2(NFKB2):c.2308C>T (p.Leu770Phe)

Gene: NFKB2 (nuclear factor kappa B subunit 2; plus strand). Cytogenetic location: 10q24.32.
Variant type: single nucleotide variant.
Coding change: c.2308C>T on transcript NM_001322934.2 (MANE Select); coding-DNA position 2308, C replaced by T.
Protein change: p.Leu770Phe; replaces leucine 770 with phenylalanine.
Molecular consequence: missense variant.
Genome position (GRCh38, 1-based): chr10:102,401,759, C>T. VCF-style: chr10-102401759-C-T. GRCh37 (hg19) VCF-style: chr10-104161516-C-T.
Other names: c.2308C>T, p.Leu770Phe (NM_001077493.1, NM_001077494.3, NM_001261403.3 and 2 more transcripts); c.2182C>T, p.Leu728Phe (NM_001322935.1); short protein forms L728F, L770F.
Identifiers: ClinVar variation 2741687 (VCV002741687.3), dbSNP rs759059168, ClinGen allele CA5665060.
Genomic context (GRCh38, chr10:102,401,759, plus strand): 5'-CCAACTCTGGAGGTAAATGACATGTCTGTATGTGTGTCCCCCTAAGGGCCGGGACTGTCA[C>T]TTGGTGATACAGCTCTGCAGAACCTGGAGCAGCTGCTAGACGGGCCAGAAGCCCAGGGCA-3'
Protein context (NP_001309863.1, residues 760-780): PPSPAGPGLS[Leu770Phe]GDTALQNLEQ